The following is an entry in ClinVar:

ClinVar aggregate classification (germline): Uncertain significance. Review status: criteria provided, multiple submitters, no conflicts (2 of 4 stars). 2 submissions from 2 submitters: Uncertain significance (2). Last evaluated 2023-12-12.

Conditions:
Primary dilated cardiomyopathy (DCM). Also called: Dilated Cardiomyopathy. Identifiers: Orphanet 217604, MedGen C0007193, MeSH D002311, MONDO:0005021, HP:0001644. Inheritance: Various modes of inheritance.
Hypertrophic cardiomyopathy. Also called: HYPERTROPHIC MYOCARDIOPATHY. Identifiers: Orphanet 217569, MedGen C0007194, MeSH D002312, MONDO:0005045, HP:0001639.

Submissions (2):

Labcorp Genetics (formerly Invitae), Labcorp
Classification: Uncertain significance for Hypertrophic cardiomyopathy; Primary dilated cardiomyopathy. Last evaluated: 2023-12-12. Review status: criteria provided, single submitter. Criteria: Invitae Variant Classification Sherloc (09022015). Collection method: clinical testing. Allele origin: germline.
Comment: This sequence change replaces glutamic acid, which is acidic and polar, with lysine, which is basic and polar, at codon 316 of the PDLIM3 protein (p.Glu316Lys). This variant is not present in population databases (gnomAD no frequency). This variant has not been reported in the literature in individuals affected with PDLIM3-related conditions. ClinVar contains an entry for this variant (Variation ID: 2448561). Advanced modeling of protein sequence and biophysical properties (such as structural, functional, and spatial information, amino acid conservation, physicochemical variation, residue mobility, and thermodynamic stability) performed at Invitae indicates that this missense variant is not expected to disrupt PDLIM3 protein function with a negative predictive value of 80%. In summary, the available evidence is currently insufficient to determine the role of this variant in disease. Therefore, it has been classified as a Variant of Uncertain Significance.

Ambry Genetics
Classification: Uncertain significance. Last evaluated: 2023-01-20. Review status: criteria provided, single submitter. Criteria: Ambry Variant Classification Scheme 2023. Collection method: clinical testing. Allele origin: germline.
Comment: The p.E316K variant (also known as c.946G>A), located in coding exon 8 of the PDLIM3 gene, results from a G to A substitution at nucleotide position 946. The glutamic acid at codon 316 is replaced by lysine, an amino acid with similar properties. This amino acid position is conserved. In addition, the in silico prediction for this alteration is inconclusive. Since supporting evidence is limited at this time, the clinical significance of this alteration remains unclear.

NM_014476.6(PDLIM3):c.946G>A (p.Glu316Lys)

Gene: PDLIM3 (PDZ and LIM domain 3; minus strand). Cytogenetic location: 4q35.1.
Variant type: single nucleotide variant.
Coding change: c.946G>A on transcript NM_014476.6 (MANE Select); coding-DNA position 946, G replaced by A.
Protein change: p.Glu316Lys; replaces glutamic acid 316 with lysine.
Molecular consequence: missense variant. On other transcripts: non-coding transcript variant (1).
Genome position (GRCh38, 1-based): chr4:185,502,443, C>T on the plus strand (G>A on the coding strand, the complement: PDLIM3 is on the minus strand). VCF-style: chr4-185502443-C-T. GRCh37 (hg19) VCF-style: chr4-186423597-C-T.
Other names: c.802G>A, p.Glu268Lys (NM_001114107.5); c.682G>A, p.Glu228Lys (NM_001257962.2); c.445G>A, p.Glu149Lys (NM_001257963.2); short protein forms E316K, E149K, E228K, E268K.
Identifiers: ClinVar variation 2448561 (VCV002448561.5), dbSNP rs2478308963, ClinGen allele CA358919744.